The following is an entry in ClinVar:

NM_002448.3(MSX1):c.289G>A (p.Gly97Ser)

Genes: MSX1 (msh homeobox 1; plus strand), LOC129992137 (ATAC-STARR-seq lymphoblastoid silent region 15219; plus strand). Cytogenetic location: 4p16.2.
Variant type: single nucleotide variant.
Coding change: c.289G>A on transcript NM_002448.3 (MANE Select); coding-DNA position 289, G replaced by A.
Protein change: p.Gly97Ser; replaces glycine 97 with serine.
Molecular consequence: missense variant.
Genome position (GRCh38, 1-based): chr4:4,860,188, G>A. VCF-style: chr4-4860188-G-A. GRCh37 (hg19) VCF-style: chr4-4861915-G-A.
Other names: short protein forms G97S.
Identifiers: ClinVar variation 1693302 (VCV001693302.3), dbSNP rs1062591, ClinGen allele CA356137610.

ClinVar aggregate classification (germline): Uncertain significance (1 of 4 stars; one submission).

Conditions:
MSX1-related selective tooth agenesis with or without orofacial cleft.

Allele frequency attached by ClinVar (database versions not stated): gnomAD exomes 0.00001.

Submission:

Illumina Laboratory Services, Illumina
Classification: Uncertain significance for MSX1-related selective tooth agenesis with or without orofacial cleft. Last evaluated: 2022-02-16. Review status: criteria provided, single submitter. Criteria: ICSLVariantClassificationCriteria RUGD 01 April 2020. Collection method: clinical testing. Allele origin: unknown.
Comment: The MSX1 c.289G>A (p.Gly97Ser) missense variant results in the substitution of glycine at amino acid position 97 with serine. To our knowledge, this variant has not been reported in the peer-reviewed literature. The c.289G>A variant is not found in version 2.1.1 or version 3.1.2 of the Genome Aggregation Database. Based on the available evidence, the c.289G>A (p.Gly97Ser) variant is classified as a variant of uncertain significance for non-syndromic cleft lip with or without cleft palate.

Literature cited by the submitters: PubMed 12807959.